The following is an entry in ClinVar:

ClinVar aggregate classification (germline): Uncertain significance. Review status: criteria provided, multiple submitters, no conflicts (2 of 4 stars). 6 submissions from 6 submitters: Uncertain significance (6). Last evaluated 2026-10-08.

Conditions:
Inborn genetic diseases. Identifiers: MedGen C0950123, MeSH D030342.
Diffuse cerebral and cerebellar atrophy - intractable seizures - progressive microcephaly syndrome. Also called: Microcephaly, progressive, with seizures and cerebral and cerebellar atrophy. Identifiers: Orphanet 404437, MedGen C4014239, MONDO:0014335, OMIM 615760.

Allele frequency attached by ClinVar (database versions not stated): gnomAD exomes 0.00008; gnomAD 0.00011; ExAC 0.00007; TOPMed 0.00010.
gnomAD v4.1: 150 of 1,613,944 alleles (0.0093%); highest among the groups gnomAD compares: Middle Eastern, 0.049%; no homozygotes.

Submissions (6):

GeneDx
Classification: Uncertain significance. Last evaluated: 2026-10-08. Review status: criteria provided, single submitter. Criteria: GeneDx Variant Classification Process June 2021. Collection method: clinical testing. Allele origin: germline.
Comment: In silico analysis supports that this missense variant has a deleterious effect on protein structure/function; Has not been previously published as pathogenic or benign to our knowledge; This variant is associated with the following publications: (PMID: 25471517)

Ambry Genetics
Classification: Uncertain significance for Inborn genetic diseases. Last evaluated: 2026-08-12. Review status: criteria provided, single submitter. Criteria: Ambry Variant Classification Scheme 2023. Collection method: clinical testing. Allele origin: germline.

Blueprint Genetics
Classification: Uncertain significance. Last evaluated: 2024-09-14. Review status: criteria provided, single submitter. Criteria: ACMG Guidelines, 2015. Collection method: clinical testing. Allele origin: germline.

Labcorp Genetics (formerly Invitae), Labcorp
Classification: Uncertain significance for Diffuse cerebral and cerebellar atrophy - intractable seizures - progressive microcephaly syndrome. Last evaluated: 2022-10-25. Review status: criteria provided, single submitter. Criteria: Invitae Variant Classification Sherloc (09022015). Collection method: clinical testing. Allele origin: germline.
Comment: This sequence change replaces valine, which is neutral and non-polar, with methionine, which is neutral and non-polar, at codon 113 of the QARS protein (p.Val113Met). This variant is present in population databases (rs767616063, gnomAD 0.02%). This variant has not been reported in the literature in individuals affected with QARS-related conditions. ClinVar contains an entry for this variant (Variation ID: 850990). Advanced modeling of protein sequence and biophysical properties (such as structural, functional, and spatial information, amino acid conservation, physicochemical variation, residue mobility, and thermodynamic stability) has been performed at Invitae for this missense variant, however the output from this modeling did not meet the statistical confidence thresholds required to predict the impact of this variant on QARS protein function. In summary, the available evidence is currently insufficient to determine the role of this variant in disease. Therefore, it has been classified as a Variant of Uncertain Significance.

Mayo Clinic Laboratories, Mayo Clinic
Classification: Uncertain significance. Last evaluated: 2021-01-08. Review status: criteria provided, single submitter. Criteria: ACMG Guidelines, 2015. Collection method: clinical testing. Allele origin: germline. Observed: 1 variant allele.

Victorian Clinical Genetics Services, Murdoch Childrens Research Institute
Classification: Uncertain significance for Diffuse cerebral and cerebellar atrophy - intractable seizures - progressive microcephaly syndrome. Last evaluated: 2020-10-19. Review status: criteria provided, single submitter. Criteria: ACMG Guidelines, 2015. Collection method: clinical testing. Allele origin: germline. Inheritance: Autosomal recessive inheritance. Affected: yes.
Comment: Based on the classification scheme VCGS_Germline_v1.3.3, this variant is classified as 3B-VUS. Following criteria are met: 0102 - Loss of function is a known mechanism of disease in this gene and is associated with microcephaly, progressive, seizures, and cerebral and cerebellar atrophy (MIM#615760). (I) 0106 - This gene is associated with autosomal recessive disease. (I) 0200 - Variant is predicted to result in a missense amino acid change from valine to methionine. (I) 0251 - This variant is heterozygous. (I) 0304 - Variant is present in gnomAD <0.01 (v2) for a recessive condition (22 heterozygotes, 0 homozygotes). (SP) 0502 - Missense variant with conflicting in silico predictions and uninformative conservation. (I) 0600 - Variant is located in the annotated glutaminyl-tRNA synthetase, non-specific RNA binding region part 1 (PDB). (I) 0705 - No comparable missense variants have previous evidence for pathogenicity. (I) 0809 - Previous evidence of pathogenicity for this variant is inconclusive. The variant has previously been classified as a VUS (ClinVar). (I) 0905 - No published segregation evidence has been identified for this variant. (I) 1007 - No published functional evidence has been identified for this variant. (I) 1208 - Inheritance information for this variant is not currently available in this individual. (I) Legend: (SP) - Supporting pathogenic, (I) - Information, (SB) - Supporting benign

NM_005051.3(QARS1):c.337G>A (p.Val113Met)

Gene: QARS1 (glutaminyl-tRNA synthetase 1; minus strand). Cytogenetic location: 3p21.31.
Variant type: single nucleotide variant.
Coding change: c.337G>A on transcript NM_005051.3 (MANE Select); coding-DNA position 337, G replaced by A.
Protein change: p.Val113Met; replaces valine 113 with methionine.
Molecular consequence: missense variant. On other transcripts: non-coding transcript variant (1).
Genome position (GRCh38, 1-based): chr3:49,103,901, C>T on the plus strand (G>A on the coding strand, the complement: QARS1 is on the minus strand). VCF-style: chr3-49103901-C-T. GRCh37 (hg19) VCF-style: chr3-49141334-C-T.
Other names: c.304G>A, p.Val102Met (NM_001272073.2); c.337G>A (NM_005051.1); short protein forms V113M, V102M.
Identifiers: ClinVar variation 850990 (VCV000850990.16), dbSNP rs767616063, ClinGen allele CA2392213.